The following is an entry in ClinVar:

ClinVar aggregate classification (germline): Uncertain significance. Review status: criteria provided, multiple submitters, no conflicts (2 of 4 stars). 2 submissions from 2 submitters: Uncertain significance (2). Last evaluated 2025-02-26.

Allele frequency attached by ClinVar (database versions not stated): gnomAD 0.00001.
gnomAD v4.1: 1 of 1,612,966 alleles (0.000062%); highest among the groups gnomAD compares: Admixed American, 0.0017%; no homozygotes.

Submissions (2):

GeneDx
Classification: Uncertain significance. Last evaluated: 2025-02-26. Review status: criteria provided, single submitter. Criteria: GeneDx Variant Classification Process June 2021. Collection method: clinical testing. Allele origin: germline. Affected: yes.
Comment: Not observed at significant frequency in large population cohorts (gnomAD); In silico analysis supports that this missense variant has a deleterious effect on protein structure/function; Has not been previously published as pathogenic or benign to our knowledge

Labcorp Genetics (formerly Invitae), Labcorp
Classification: Uncertain significance. Last evaluated: 2022-05-06. Review status: criteria provided, single submitter. Criteria: Invitae Variant Classification Sherloc (09022015). Collection method: clinical testing. Allele origin: germline.
Comment: In summary, the available evidence is currently insufficient to determine the role of this variant in disease. Therefore, it has been classified as a Variant of Uncertain Significance. Algorithms developed to predict the effect of missense changes on protein structure and function are either unavailable or do not agree on the potential impact of this missense change (SIFT: "Tolerated"; PolyPhen-2: "Possibly Damaging"; Align-GVGD: "Class C0"). This variant has not been reported in the literature in individuals affected with VPS13A-related conditions. This variant is present in population databases (no rsID available, gnomAD no frequency). This sequence change replaces threonine, which is neutral and polar, with alanine, which is neutral and non-polar, at codon 1377 of the VPS13A protein (p.Thr1377Ala).

NM_033305.3(VPS13A):c.4129A>G (p.Thr1377Ala)

Gene: VPS13A (vacuolar protein sorting 13 homolog A; plus strand). Cytogenetic location: 9q21.2.
Variant type: single nucleotide variant.
Coding change: c.4129A>G on transcript NM_033305.3 (MANE Select); coding-DNA position 4129, A replaced by G.
Protein change: p.Thr1377Ala; replaces threonine 1377 with alanine.
Molecular consequence: missense variant.
Genome position (GRCh38, 1-based): chr9:77,314,006, A>G. VCF-style: chr9-77314006-A-G. GRCh37 (hg19) VCF-style: chr9-79928922-A-G.
Other names: c.4012A>G, p.Thr1338Ala (NM_001018037.2); c.4129A>G, p.Thr1377Ala (NM_001018038.3, NM_015186.4); c.4129A>G (NM_033305.2); short protein forms T1338A, T1377A.
Identifiers: ClinVar variation 1959854 (VCV001959854.6), dbSNP rs760948401, ClinGen allele CA373854162.